The following is an entry in ClinVar:

ClinVar aggregate classification (germline): Uncertain significance (1 of 4 stars; one submission).

Conditions:
Joubert syndrome. Also called: JOUBERT-BOLTSHAUSER SYNDROME; Familial aplasia of the vermis. Identifiers: Orphanet 475, MedGen C5979921, MONDO:0018772.
Meckel-Gruber syndrome. Also called: Dysencephalia splachnocystica; DYSENCEPHALIA SPLANCHNOCYSTICA; GRUBER SYNDROME. Identifiers: Orphanet 564, MedGen C0265215, MONDO:0018921.

Allele frequency attached by ClinVar (database versions not stated): TOPMed below 0.00001; gnomAD 0.00002.
gnomAD v4.1: 5 of 1,613,592 alleles (0.00031%); highest among the groups gnomAD compares: Middle Eastern, 0.016%; no homozygotes.

Submission:

Labcorp Genetics (formerly Invitae), Labcorp
Classification: Uncertain significance for Joubert syndrome; Meckel-Gruber syndrome. Last evaluated: 2020-03-20. Review status: criteria provided, single submitter. Criteria: Invitae Variant Classification Sherloc (09022015). Collection method: clinical testing. Allele origin: germline.
Comment: This sequence change replaces proline with serine at codon 865 of the CC2D2A protein (p.Pro865Ser). The proline residue is moderately conserved and there is a moderate physicochemical difference between proline and serine. This variant is not present in population databases (ExAC no frequency). This variant has not been reported in the literature in individuals with CC2D2A-related conditions. Algorithms developed to predict the effect of missense changes on protein structure and function are either unavailable or do not agree on the potential impact of this missense change (SIFT: "Deleterious"; PolyPhen-2: "Possibly Damaging"; Align-GVGD: "Class C0"). In summary, the available evidence is currently insufficient to determine the role of this variant in disease. Therefore, it has been classified as a Variant of Uncertain Significance.

NM_001378615.1(CC2D2A):c.2593C>T (p.Pro865Ser)

Genes: CC2D2A (coiled-coil and C2 domain containing 2A; plus strand), FBXL5 (F-box and leucine rich repeat protein 5; minus strand). Cytogenetic location: 4p15.32.
Variant type: single nucleotide variant.
Coding change: c.2593C>T on transcript NM_001378615.1 (MANE Select); coding-DNA position 2593, C replaced by T.
Protein change: p.Pro865Ser; replaces proline 865 with serine.
Molecular consequence: missense variant.
Genome position (GRCh38, 1-based): chr4:15,555,178, C>T. VCF-style: chr4-15555178-C-T. GRCh37 (hg19) VCF-style: chr4-15556801-C-T.
Other names: c.2593C>T, p.Pro865Ser (NM_001080522.2); c.2446C>T, p.Pro816Ser (NM_001378617.1); short protein forms P816S, P865S.
Identifiers: ClinVar variation 1040641 (VCV001040641.9), dbSNP rs1376846940, ClinGen allele CA356420748.